The following is an entry in ClinVar:

NM_002693.3(POLG):c.1214A>G (p.Glu405Gly)

Gene: POLG (DNA polymerase gamma, catalytic subunit; minus strand). Cytogenetic location: 15q26.1.
Variant type: single nucleotide variant.
Coding change: c.1214A>G on transcript NM_002693.3 (MANE Select); coding-DNA position 1214, A replaced by G.
Protein change: p.Glu405Gly; replaces glutamic acid 405 with glycine.
Molecular consequence: missense variant.
Genome position (GRCh38, 1-based): chr15:89,328,492, T>C on the plus strand (A>G on the coding strand, the complement: POLG is on the minus strand). VCF-style: chr15-89328492-T-C. GRCh37 (hg19) VCF-style: chr15-89871723-T-C.
Other names: c.1214A>G, p.Glu405Gly (NM_001126131.2); short protein forms E405G.
Identifiers: ClinVar variation 2725993 (VCV002725993.4), dbSNP rs1567191988, ClinGen allele CA393764086.
Genomic context (GRCh38, chr15:89,328,492, plus strand): 5'-ATTCCCACATGGGCTCCCCCTCACCTCTCCAAGAAGAGCGGTAGCTGCTGCTGGAAAACC[T>C]CATGGGTGGCCCACACGTCCTGGGCACAGTACTGCATCAGGTCCTGGCACAAGGTGACAG-3'
Protein context (NP_002684.1, residues 395-415): YCAQDVWATH[Glu405Gly]VFQQQLPLFL

ClinVar aggregate classification (germline): Uncertain significance. Review status: criteria provided, multiple submitters, no conflicts (2 of 4 stars). 2 submissions from 2 submitters: Uncertain significance (2). Last evaluated 2026-06-03.

Conditions:
Progressive sclerosing poliodystrophy (MTDPS4A). Also called: ALPERS PROGRESSIVE INFANTILE POLIODYSTROPHY; Alpers Syndrome; ALPERS DIFFUSE DEGENERATION OF CEREBRAL GRAY MATTER WITH HEPATIC CIRRHOSIS; Alpers-Huttenlocher Syndrome; NEURONAL DEGENERATION OF CHILDHOOD WITH LIVER DISEASE, PROGRESSIVE; Mitochondrial DNA depletion syndrome 4A (Alpers type). Identifiers: Orphanet 726, MedGen C0205710, MONDO:0008758, OMIM 203700.
POLG-related disorder. Also called: POLG-related condition; POLG-Related Disorders; POLG-Related Spectrum Disorders. Identifiers: MedGen C4763519.

Allele frequency attached by ClinVar (database versions not stated): gnomAD exomes below 0.00001.
gnomAD v4.1: 3 of 1,613,820 alleles (0.00019%); highest among the groups gnomAD compares: Non-Finnish European, 0.00025%; no homozygotes.

Submissions (2):

PreventionGenetics, part of Exact Sciences
Classification: Uncertain significance for POLG-related condition. Last evaluated: 2026-06-03. Review status: criteria provided, single submitter. Criteria: ACMG Guidelines, 2015. Collection method: clinical testing. Allele origin: germline.
Comment: The POLG c.1214A>G variant is predicted to result in the amino acid substitution p.Glu405Gly. To our knowledge, this variant has not been reported in the literature or in a large population database (gnomAD), indicating this variant is rare. At this time, the clinical significance of this variant is uncertain due to the absence of conclusive functional and genetic evidence.

Labcorp Genetics (formerly Invitae), Labcorp
Classification: Uncertain significance for Progressive sclerosing poliodystrophy. Last evaluated: 2024-09-23. Review status: criteria provided, single submitter. Criteria: Invitae Variant Classification Sherloc (09022015). Collection method: clinical testing. Allele origin: germline.
Comment: This sequence change replaces glutamic acid, which is acidic and polar, with glycine, which is neutral and non-polar, at codon 405 of the POLG protein (p.Glu405Gly). This variant is not present in population databases (gnomAD no frequency). This variant has not been reported in the literature in individuals affected with POLG-related conditions. Invitae Evidence Modeling of protein sequence and biophysical properties (such as structural, functional, and spatial information, amino acid conservation, physicochemical variation, residue mobility, and thermodynamic stability) has been performed for this missense variant. However, the output from this modeling did not meet the statistical confidence thresholds required to predict the impact of this variant on POLG protein function. In summary, the available evidence is currently insufficient to determine the role of this variant in disease. Therefore, it has been classified as a Variant of Uncertain Significance.